The following is an entry in ClinVar:

ClinVar aggregate classification (germline): Benign. Review status: criteria provided, single submitter (1 of 4 stars). 2 submissions from 2 submitters: Benign (1). 1 of the submissions does not count toward it. Last evaluated 2025-10-09.

Conditions:
PDE3A-related disorder. Also called: PDE3A-related condition.

Allele frequency attached by ClinVar (database versions not stated): ESP Exome Variant Server 0.00024; TOPMed 0.00024.
gnomAD v4.1: 135 of 1,612,576 alleles (0.0084%); highest among the groups gnomAD compares: African/African-American, 0.092%; no homozygotes.

Submissions (2):

Labcorp Genetics (formerly Invitae), Labcorp
Classification: Benign. Last evaluated: 2025-10-09. Review status: criteria provided, single submitter. Criteria: Invitae Variant Classification Sherloc (09022015). Collection method: clinical testing. Allele origin: germline.

PreventionGenetics, part of Exact Sciences
Classification: Likely benign for PDE3A-related condition. Last evaluated: 2019-06-06. Review status: no assertion criteria provided. Collection method: clinical testing. Allele origin: germline. Not counted in ClinVar's aggregate classification.
Comment: This variant is classified as likely benign based on ACMG/AMP sequence variant interpretation guidelines (Richards et al. 2015 PMID: 25741868, with internal and published modifications).

NM_000921.5(PDE3A):c.507G>C (p.Gly169=)

Genes: PDE3A (phosphodiesterase 3A; plus strand), PDE3A-AS1 (PDE3A antisense RNA 1; minus strand), LOC124625920 (Sharpr-MPRA regulatory region 8059; plus strand). Cytogenetic location: 12p12.2.
Variant type: single nucleotide variant.
Coding change: c.507G>C on transcript NM_000921.5 (MANE Select); coding-DNA position 507, G replaced by C.
Protein change: p.Gly169=; no amino-acid change (glycine 169 retained).
Molecular consequence: synonymous variant. On other transcripts: 5 prime UTR variant (1).
Genome position (GRCh38, 1-based): chr12:20,369,791, G>C. VCF-style: chr12-20369791-G-C. GRCh37 (hg19) VCF-style: chr12-20522725-G-C.
Other names: c.507G>C, p.Gly169= (NM_001378407.1); c.-522G>C (NM_001378408.1); c.507G>C (NM_000921.4).
Identifiers: ClinVar variation 2884612 (VCV002884612.5), dbSNP rs144296189, ClinGen allele CA6473444.